The following is an entry in ClinVar:

NM_001042492.3(NF1):c.5813-175G>T

Gene: NF1 (neurofibromin 1; plus strand). Cytogenetic location: 17q11.2.
Variant type: single nucleotide variant.
Coding change: c.5813-175G>T on transcript NM_001042492.3 (MANE Select); 175 bases into the intron before coding-DNA position 5813, G replaced by T.
Molecular consequence: intron variant.
Genome position (GRCh38, 1-based): chr17:31,334,663, G>T. VCF-style: chr17-31334663-G-T. GRCh37 (hg19) VCF-style: chr17-29661681-G-T.
Other names: c.5750-175G>T (NM_000267.4).
Identifiers: ClinVar variation 4982265 (VCV004982265.1).
Genomic context (GRCh38, chr17:31,334,663, plus strand): 5'-GAAAATAAGACAAAACTTTTCAAAAATTGGCTTACTGGCTTTTAAAATTACTTTCTTCAA[G>T]GACTGTTCTTTCTTCGCCTCTACAAAAATATATTTGCCAAGTGTCTTTTCTCCAGGCCTG-3'

ClinVar aggregate classification (germline): Likely benign (1 of 4 stars; one submission).

Conditions:
NF1-related disorder. Also called: NF1-related condition. Identifiers: MedGen CN379171.

gnomAD v4.1: 69 of 600,172 alleles (0.011%); highest among the groups gnomAD compares: Non-Finnish European, 0.018%; no homozygotes.

Submission:

PreventionGenetics, part of Exact Sciences
Classification: Likely benign for NF1-related condition. Last evaluated: 2026-04-30. Review status: criteria provided, single submitter. Criteria: ACMG Guidelines, 2015. Collection method: clinical testing. Allele origin: germline.
Comment: This variant is classified as likely benign based on ACMG/AMP sequence variant interpretation guidelines (Richards et al. 2015 PMID: 25741868, with internal and published modifications).